The following is an entry in ClinVar:

NM_000083.3(CLCN1):c.2285-2A>G

Gene: CLCN1 (chloride voltage-gated channel 1; plus strand). Cytogenetic location: 7q34.
Variant type: single nucleotide variant.
Coding change: c.2285-2A>G on transcript NM_000083.3 (MANE Select); the canonical splice acceptor site of the intron before coding-DNA position 2285, A replaced by G.
Molecular consequence: splice acceptor variant.
Genome position (GRCh38, 1-based): chr7:143,346,577, A>G. VCF-style: chr7-143346577-A-G. GRCh37 (hg19) VCF-style: chr7-143043670-A-G.
Identifiers: ClinVar variation 5007173 (VCV005007173.2).

ClinVar aggregate classification (germline): Likely pathogenic (1 of 4 stars; one submission).

Conditions:
Congenital myotonia, autosomal recessive form. Also called: myotonia congenita, autosomal recessive; Becker Generalized Myotonia; BECKER DISEASE. Identifiers: Orphanet 614, MedGen C0751360, MONDO:0009715, OMIM 255700.
Congenital myotonia, autosomal dominant form (THD). Also called: THOMSEN DISEASE; Myotonia congenita autosomal dominant. Identifiers: Orphanet 614, MedGen C2936781, MONDO:0008055, OMIM 160800.

Submission:

Juno Genomics, Hangzhou Juno Genomics, Inc
Classification: Likely pathogenic for Congenital myotonia, autosomal dominant form; Congenital myotonia, autosomal recessive form. Review status: criteria provided, single submitter. Criteria: ACMG Guidelines, 2015. Collection method: clinical testing. Allele origin: germline.
Comment: Null variant in a gene where loss of function (LOF) is a known mechanism of disease.;Absent from controls (or at extremely low frequency if recessive) in Genome Aggregation Database.